The following is an entry in ClinVar:

ClinVar aggregate classification (germline): Uncertain significance (0 of 4 stars; one submission).

Conditions:
GLI2-related disorder. Also called: GLI2-related condition; GLI2-related disorders.

gnomAD v4.1: 5 of 1,564,884 alleles (0.00032%); highest among the groups gnomAD compares: East Asian, 0.0096%; no homozygotes.

Submission:

PreventionGenetics, part of Exact Sciences
Classification: Uncertain significance for GLI2-related condition. Last evaluated: 2024-09-12. Review status: no assertion criteria provided. Collection method: clinical testing. Allele origin: germline.
Comment: The GLI2 c.2383G>A variant is predicted to result in the amino acid substitution p.Glu795Lys. To our knowledge, this variant has not been reported in the literature or in a large population database, indicating this variant is rare. At this time, the clinical significance of this variant is uncertain due to the absence of conclusive functional and genetic evidence.

NM_001374353.1(GLI2):c.2332G>A (p.Glu778Lys)

Gene: GLI2 (GLI family zinc finger 2; plus strand). Cytogenetic location: 2q14.2.
Variant type: single nucleotide variant.
Coding change: c.2332G>A on transcript NM_001374353.1 (MANE Select); coding-DNA position 2332, G replaced by A.
Protein change: p.Glu778Lys; replaces glutamic acid 778 with lysine.
Molecular consequence: missense variant.
Genome position (GRCh38, 1-based): chr2:120,988,297, G>A. VCF-style: chr2-120988297-G-A. GRCh37 (hg19) VCF-style: chr2-121745873-G-A.
Other names: c.2383G>A, p.Glu795Lys (NM_001371271.1, NM_005270.5); c.1957G>A, p.Glu653Lys (NM_001374354.1); short protein forms E653K, E778K, E795K.
Identifiers: ClinVar variation 3344454 (VCV003344454.1).
Genomic context (GRCh38, chr2:120,988,297, plus strand): 5'-GGGGGCGGCGGGCCCGCGGGGCTGCTGCCGAACCCGCGGCTGTCGGAGCTGTCCGCGAGC[G>A]AGGTGACCATGCTGAGCCAGCTGCAGGAGCGCCGCGACAGCTCCACCAGCACGGTCAGCT-3'
Protein context (NP_001361282.1, residues 768-788): NPRLSELSAS[Glu778Lys]VTMLSQLQER